The following is an entry in ClinVar:

NM_000421.5(KRT10):c.1569_1592dup (p.Ser525_Gly532dup)

Gene: KRT10 (keratin 10; minus strand). Cytogenetic location: 17q21.2.
Variant type: Duplication.
Coding change: c.1569_1592dup on transcript NM_000421.5 (MANE Select); coding-DNA positions 1569 to 1592, 24 bases duplicated (CGGCAGTTCCAGCGGCGGCTACGG).
Protein change: p.Ser525_Gly532dup.
Molecular consequence: inframe insertion.
Genome position (GRCh38, 1-based): chr17:40,818,943-40,818,966, CCGTAGCCGCCGCTGGAACTGCCG duplicated on the plus strand (CGGCAGTTCCAGCGGCGGCTACGG on the coding strand, the reverse complement: KRT10 is on the minus strand); duplicating any 24 consecutive bases within chr17:40,818,943-40,818,970 gives the same sequence; the c. name uses the placement nearest the transcript's 3' end. VCF-style (leftmost placement, unchanged base first): chr17-40818942-A-ACCGTAGCCGCCGCTGGAACTGCCG. GRCh37 (hg19) VCF-style: chr17-38975194-A-ACCGTAGCCGCCGCTGGAACTGCCG.
Other names: c.1569_1592dup, p.Ser525_Gly532dup (NM_001379366.1); c.1569_1592dup24 (NM_000421.3).
Identifiers: ClinVar variation 1562198 (VCV001562198.10), dbSNP rs1174823534, ClinGen allele CA500185956.

ClinVar aggregate classification (germline): Benign. Review status: criteria provided, single submitter (1 of 4 stars). 2 submissions from 2 submitters: Benign (1). 1 of the submissions does not count toward it. Last evaluated 2025-10-24.

Conditions:
KRT10-related disorder. Also called: KRT10-related condition.

Submissions (2):

Labcorp Genetics (formerly Invitae), Labcorp
Classification: Benign. Last evaluated: 2025-10-24. Review status: criteria provided, single submitter. Criteria: Invitae Variant Classification Sherloc (09022015). Collection method: clinical testing. Allele origin: germline.

PreventionGenetics, part of Exact Sciences
Classification: Likely benign for KRT10-related condition. Last evaluated: 2022-02-01. Review status: no assertion criteria provided. Collection method: clinical testing. Allele origin: germline. Not counted in ClinVar's aggregate classification.
Comment: This variant is classified as likely benign based on ACMG/AMP sequence variant interpretation guidelines (Richards et al. 2015 PMID: 25741868, with internal and published modifications).